The following is an entry in ClinVar:

NM_017654.4(SAMD9):c.2371T>C (p.Tyr791His)

Gene: SAMD9 (sterile alpha motif domain containing 9; minus strand). Cytogenetic location: 7q21.2.
Variant type: single nucleotide variant.
Coding change: c.2371T>C on transcript NM_017654.4 (MANE Select); coding-DNA position 2371, T replaced by C.
Protein change: p.Tyr791His; replaces tyrosine 791 with histidine.
Molecular consequence: missense variant.
Genome position (GRCh38, 1-based): chr7:93,103,727, A>G on the plus strand (T>C on the coding strand, the complement: SAMD9 is on the minus strand). VCF-style: chr7-93103727-A-G. GRCh37 (hg19) VCF-style: chr7-92733040-A-G.
Other names: c.2371T>C, p.Tyr791His (NM_001193307.2); short protein forms Y791H.
Identifiers: ClinVar variation 2539643 (VCV002539643.3), dbSNP rs910617585, ClinGen allele CA161991813.
Genomic context (GRCh38, chr7:93,103,727, plus strand): 5'-GCAGAAGATAGACATTATCTTGTTCTTCAAAATCATCAACAAGGAGTAGTACAGGTACGT[A>G]TTCCTGACGGTTCATTGCCCCATAGGTGATTAAACTGGTTACCTGTTCTCCAATTTCAGA-3'
Protein context (NP_060124.2, residues 781-801): ITYGAMNRQE[Tyr791His]VPVLLLVDDF

ClinVar aggregate classification (germline): Uncertain significance (1 of 4 stars; one submission).

Conditions:
Inborn genetic diseases. Identifiers: MedGen C0950123, MeSH D030342.

Allele frequency attached by ClinVar (database versions not stated): gnomAD exomes below 0.00001; TOPMed 0.00002.

Submission:

Ambry Genetics
Classification: Uncertain significance for Inborn genetic diseases. Last evaluated: 2025-01-16. Review status: criteria provided, single submitter. Criteria: Ambry Variant Classification Scheme 2023. Collection method: clinical testing. Allele origin: germline.
Comment: The p.Y791H variant (also known as c.2371T>C), located in coding exon 1 of the SAMD9 gene, results from a T to C substitution at nucleotide position 2371. The tyrosine at codon 791 is replaced by histidine, an amino acid with similar properties. This amino acid position is conserved. In addition, the in silico prediction for this alteration is inconclusive. Based on the available evidence, the clinical significance of this variant remains unclear.